The following is an entry in ClinVar:

ClinVar aggregate classification (germline): Likely benign (0 of 4 stars; one submission).

Conditions:
SLC22A12-related disorder. Also called: SLC22A12-related condition.

Allele frequency attached by ClinVar (database versions not stated): gnomAD exomes below 0.00001; gnomAD 0.00001.

Submission:

PreventionGenetics, part of Exact Sciences
Classification: Likely benign for SLC22A12-related condition. Last evaluated: 2020-04-21. Review status: no assertion criteria provided. Collection method: clinical testing. Allele origin: germline.
Comment: This variant is classified as likely benign based on ACMG/AMP sequence variant interpretation guidelines (Richards et al. 2015 PMID: 25741868, with internal and published modifications).

NM_144585.4(SLC22A12):c.1533C>T (p.Ala511=)

Gene: SLC22A12 (solute carrier family 22 member 12; plus strand). Cytogenetic location: 11q13.1.
Variant type: single nucleotide variant.
Coding change: c.1533C>T on transcript NM_144585.4 (MANE Select); coding-DNA position 1533, C replaced by T.
Protein change: p.Ala511=; no amino-acid change (alanine 511 retained).
Molecular consequence: synonymous variant.
Genome position (GRCh38, 1-based): chr11:64,600,873, C>T. VCF-style: chr11-64600873-C-T. GRCh37 (hg19) VCF-style: chr11-64368345-C-T.
Other names: c.1431C>T, p.Ala477= (NM_001276326.2); c.1209C>T, p.Ala403= (NM_001276327.2); c.870C>T, p.Ala290= (NM_153378.3).
Identifiers: ClinVar variation 3055141 (VCV003055141.2), dbSNP rs1384183221, ClinGen allele CA474956913.